The following is an entry in ClinVar:

NM_001710.6(CFB):c.1621G>A (p.Val541Ile)

Gene: CFB (complement factor B; plus strand). Cytogenetic location: 6p21.33.
Variant type: single nucleotide variant.
Coding change: c.1621G>A on transcript NM_001710.6 (MANE Select); coding-DNA position 1621, G replaced by A.
Protein change: p.Val541Ile; replaces valine 541 with isoleucine.
Molecular consequence: missense variant.
Genome position (GRCh38, 1-based): chr6:31,950,400, G>A. VCF-style: chr6-31950400-G-A. GRCh37 (hg19) VCF-style: chr6-31918177-G-A.
Other names: short protein forms V541I.
Identifiers: ClinVar variation 2417514 (VCV002417514.6), dbSNP rs868465128, ClinGen allele CA136897218.
Genomic context (GRCh38, chr6:31,950,400, plus strand): 5'-GTGCTGACAGCAGCACATTGTTTCACTGTGGATGACAAGGAACACTCAATCAAGGTCAGC[G>A]TAGGTAAGGATGCAACTGAAGGTCCTGGGCTGCACCTATGCTCTCCAGGCAACACCTCCC-3'
Protein context (NP_001701.2, residues 531-551): DDKEHSIKVS[Val541Ile]GGEKRDLEIE

ClinVar aggregate classification (germline): Uncertain significance (1 of 4 stars; one submission).

Allele frequency attached by ClinVar (database versions not stated): gnomAD 0.00001; TOPMed 0.00003.
gnomAD v4.1: 8 of 1,612,076 alleles (0.0005%); highest among the groups gnomAD compares: African/African-American, 0.0053%; no homozygotes.

Submission:

Labcorp Genetics (formerly Invitae), Labcorp
Classification: Uncertain significance. Last evaluated: 2024-02-06. Review status: criteria provided, single submitter. Criteria: Invitae Variant Classification Sherloc (09022015). Collection method: clinical testing. Allele origin: germline.
Comment: This sequence change replaces valine, which is neutral and non-polar, with isoleucine, which is neutral and non-polar, at codon 541 of the CFB protein (p.Val541Ile). This variant is present in population databases (no rsID available, gnomAD 0.007%). This variant has not been reported in the literature in individuals affected with CFB-related conditions. ClinVar contains an entry for this variant (Variation ID: 2417514). Advanced modeling of protein sequence and biophysical properties (such as structural, functional, and spatial information, amino acid conservation, physicochemical variation, residue mobility, and thermodynamic stability) performed at Invitae indicates that this missense variant is not expected to disrupt CFB protein function with a negative predictive value of 80%. In summary, the available evidence is currently insufficient to determine the role of this variant in disease. Therefore, it has been classified as a Variant of Uncertain Significance.